The following is an entry in ClinVar:

NM_000059.4(BRCA2):c.2212dup (p.Cys738fs)

Gene: BRCA2 (BRCA2 DNA repair associated; plus strand). Cytogenetic location: 13q13.1.
Variant type: Duplication.
Coding change: c.2212dup on transcript NM_000059.4 (MANE Select); coding-DNA position 2212, one base duplicated (T; older notation c.2212dupT).
Protein change: p.Cys738fs; shifts the reading frame from cysteine 738.
Molecular consequence: frameshift variant.
Genome position (GRCh38, 1-based): chr13:32,336,567, T duplicated. VCF-style (leftmost placement, unchanged base first): chr13-32336566-A-AT. GRCh37 (hg19) VCF-style: chr13-32910703-A-AT.
Other names: 2440insT; c.2212dupT (NM_000059.3); short protein forms C738fs.
Identifiers: ClinVar variation 125978 (VCV000125978.20), dbSNP rs80359325, ClinGen allele CA014625.

ClinVar aggregate classification (germline): Pathogenic. Review status: reviewed by expert panel (3 of 4 stars). 7 submissions from 7 submitters: Pathogenic (1). 6 of the submissions do not count toward it. Last evaluated 2016-09-08.

Conditions:
Hereditary cancer-predisposing syndrome. Also called: Tumor predisposition; Hereditary Cancer Syndrome; Neoplastic Syndromes, Hereditary; Hereditary neoplastic syndrome. Identifiers: Orphanet 140162, MedGen C0027672, MeSH D009386, MONDO:0015356.
Hereditary breast ovarian cancer syndrome. Also called: Hereditary breast and ovarian cancer; Hereditary breast and/or ovarian cancer syndrome; BRCA1- and BRCA2-Associated Hereditary Breast and Ovarian Cancer; Hereditary breast and ovarian cancer syndrome; Hereditary breast and ovarian cancer syndrome (HBOC); Breast and ovarian cancer. Identifiers: Orphanet 145, MedGen C0677776, MeSH D061325, MONDO:0003582. Disease mechanism: loss of function.
Breast-ovarian cancer, familial, susceptibility to, 2 (BROVCA2). Also called: BRCA2 Hereditary Breast and Ovarian Cancer. Identifiers: Orphanet 145, MedGen C2675520, MONDO:0012933, OMIM 612555. Disease mechanism: loss of function.
Familial cancer of breast. Also called: BREAST CANCER, FAMILIAL; Hereditary breast cancer; hereditary breast carcinoma. Identifiers: Orphanet 227535, MedGen C0346153, MONDO:0016419, OMIM 114480. Disease mechanism: loss of function.

Submissions (7):

Evidence-based Network for the Interpretation of Germline Mutant Alleles (ENIGMA)
Classification: Pathogenic for Breast-ovarian cancer, familial, susceptibility to, 2. Last evaluated: 2016-09-08. Review status: reviewed by expert panel. Criteria: ENIGMA BRCA1/2 Classification Criteria (2015). Collection method: curation. Allele origin: germline.
Comment: Variant allele predicted to encode a truncated non-functional protein.

Baylor Genetics
Classification: Pathogenic for Familial cancer of breast. Last evaluated: 2023-12-07. Review status: criteria provided, single submitter. Criteria: ACMG Guidelines, 2015. Collection method: clinical testing. Allele origin: unknown. Not counted in ClinVar's aggregate classification.

Labcorp Genetics (formerly Invitae), Labcorp
Classification: Pathogenic for Hereditary breast ovarian cancer syndrome. Last evaluated: 2023-09-19. Review status: criteria provided, single submitter. Criteria: Invitae Variant Classification Sherloc (09022015). Collection method: clinical testing. Allele origin: germline. Not counted in ClinVar's aggregate classification.
Comment: ClinVar contains an entry for this variant (Variation ID: 125978). This variant has not been reported in the literature in individuals affected with BRCA2-related conditions. This variant is not present in population databases (gnomAD no frequency). This sequence change creates a premature translational stop signal (p.Cys738Leufs*13) in the BRCA2 gene. It is expected to result in an absent or disrupted protein product. Loss-of-function variants in BRCA2 are known to be pathogenic (PMID: 20104584). For these reasons, this variant has been classified as Pathogenic.

Ambry Genetics
Classification: Pathogenic for Hereditary cancer-predisposing syndrome. Last evaluated: 2021-12-08. Review status: criteria provided, single submitter. Criteria: Ambry Variant Classification Scheme 2023. Collection method: clinical testing. Allele origin: germline. Not counted in ClinVar's aggregate classification.
Comment: The c.2212dupT pathogenic mutation, located in coding exon 10 of the BRCA2 gene, results from a duplication of T at nucleotide position 2212, causing a translational frameshift with a predicted alternate stop codon (p.C738Lfs*13). This alteration is expected to result in loss of function by premature protein truncation or nonsense-mediated mRNA decay. As such, this alteration is interpreted as a disease-causing mutation.

Color Diagnostics, LLC DBA Color Health
Classification: Pathogenic for Hereditary cancer-predisposing syndrome. Last evaluated: 2020-06-02. Review status: criteria provided, single submitter. Criteria: ACMG Guidelines, 2015. Collection method: clinical testing. Allele origin: germline. Not counted in ClinVar's aggregate classification.
Comment: This variant inserts 1 nucleotide in exon 11 of the BRCA2 gene, creating a frameshift and premature translation stop signal. This variant is expected to result in an absent or non-functional protein product. To our knowledge, this variant has not been reported in individuals affected with hereditary cancer in the literature. This variant has not been identified in the general population by the Genome Aggregation Database (gnomAD). Loss of BRCA2 function is a known mechanism of disease. Based on the available evidence, this variant is classified as Pathogenic.

GeneDx
Classification: Pathogenic. Last evaluated: 2017-05-16. Review status: criteria provided, single submitter. Criteria: GeneDx Variant Classification (06012015). Collection method: clinical testing. Allele origin: germline. Affected: yes. Not counted in ClinVar's aggregate classification.
Comment: This duplication of one nucleotide in BRCA2 is denoted c.2212dupT at the cDNA level and p.Cys738LeufsX13 (C738LfsX13) at the protein level. Using alternate nomenclature, this variant would be defined as BRCA2 2440insT. The normal sequence, with the base that is duplicated in brackets, is AGCA[dupT]GTCA. The duplication causes a frameshift, which changes a Cysteine to a Leucine at codon 738 and creates a premature stop codon at position 13 of the new reading frame. Although this variant has not, to our knowledge, been reported in the literature, it is predicted to cause loss of normal protein function through either protein truncation or nonsense-mediated mRNA decay. We consider this variant to be pathogenic.

Breast Cancer Information Core (BIC) (BRCA2)
Classification: Pathogenic for Breast-ovarian cancer, familial 2. Last evaluated: 2000-06-12. Review status: no assertion criteria provided. Collection method: clinical testing. Allele origin: germline. Affected: yes. Observed: 2 variant alleles. Not counted in ClinVar's aggregate classification.

Literature cited by the submitters: PubMed 20104584 (cited by Labcorp Genetics (formerly Invitae), Labcorp).